The following is an entry in ClinVar:

NM_020975.6(RET):c.2590T>C (p.Tyr864His)

Gene: RET (ret proto-oncogene; plus strand). Cytogenetic location: 10q11.21.
Variant type: single nucleotide variant.
Coding change: c.2590T>C on transcript NM_020975.6 (MANE Select); coding-DNA position 2590, T replaced by C.
Protein change: p.Tyr864His; replaces tyrosine 864 with histidine.
Molecular consequence: missense variant.
Genome position (GRCh38, 1-based): chr10:43,119,728, T>C. VCF-style: chr10-43119728-T-C. GRCh37 (hg19) VCF-style: chr10-43615176-T-C.
Other names: c.2590T>C, p.Tyr864His (NM_001406759.1, NM_001406760.1, NM_000323.2 and 4 more transcripts); c.2461T>C, p.Tyr821His (NM_001406761.1, NM_001406762.1, NM_001406764.1); c.2455T>C, p.Tyr819His (NM_001406763.1, NM_001406765.1); c.2302T>C, p.Tyr768His (NM_001406766.1, NM_001406767.1, NM_001406770.1); c.2326T>C, p.Tyr776His (NM_001406768.1); c.1864T>C, p.Tyr622His (NM_001406778.1, NM_001406775.1, NM_001406776.1 and 1 more transcripts); c.1693T>C, p.Tyr565His (NM_001406779.1, NM_001406780.1, NM_001406781.1 and 1 more transcripts); c.1564T>C, p.Tyr522His (NM_001406783.1, NM_001406786.1); and 10 more; short protein forms Y520H, Y565H, Y381H, Y469H, Y610H, Y732H, Y429H, Y522H.
Identifiers: ClinVar variation 1980831 (VCV001980831.2), dbSNP rs2132951099, ClinGen allele CA376556764.

ClinVar aggregate classification (germline): Uncertain significance. Review status: criteria provided, multiple submitters, no conflicts (2 of 4 stars). 2 submissions from 2 submitters: Uncertain significance (2). Last evaluated 2024-02-25.

Conditions:
Hirschsprung disease, susceptibility to, 1 (HSCR1). Also called: RET-Related Hirschsprung Disease. Identifiers: Orphanet 388, MedGen C3888239, MONDO:0007723, OMIM 142623.
Multiple endocrine neoplasia, type 2 (MEN2). Identifiers: Orphanet 653, MedGen C4048306, MONDO:0019003. Disease mechanism: gain of function.

Submissions (2):

Baylor Genetics
Classification: Uncertain significance for Hirschsprung disease, susceptibility to, 1. Last evaluated: 2024-02-25. Review status: criteria provided, single submitter. Criteria: ACMG Guidelines, 2015. Collection method: clinical testing. Allele origin: unknown.

Labcorp Genetics (formerly Invitae), Labcorp
Classification: Uncertain significance for Multiple endocrine neoplasia, type 2. Last evaluated: 2022-05-30. Review status: criteria provided, single submitter. Criteria: Invitae Variant Classification Sherloc (09022015). Collection method: clinical testing. Allele origin: germline.
Comment: This sequence change replaces tyrosine, which is neutral and polar, with histidine, which is basic and polar, at codon 864 of the RET protein (p.Tyr864His). This variant is not present in population databases (gnomAD no frequency). This missense change has been observed in individual(s) with Hirschsprung disease (PMID: 22648184). Algorithms developed to predict the effect of missense changes on protein structure and function are either unavailable or do not agree on the potential impact of this missense change (SIFT: "Deleterious"; PolyPhen-2: "Probably Damaging"; Align-GVGD: "Class C0"). In summary, the available evidence is currently insufficient to determine the role of this variant in disease. Therefore, it has been classified as a Variant of Uncertain Significance.

Literature cited by the submitters: PubMed 22648184 (cited by Labcorp Genetics (formerly Invitae), Labcorp).